The following is an entry in ClinVar:

ClinVar aggregate classification (germline): Likely benign. Review status: criteria provided, multiple submitters, no conflicts (2 of 4 stars). 4 submissions from 4 submitters: Likely benign (3). 1 of the submissions does not count toward it. Last evaluated 2026-06-01.

Conditions:
FANCE-related disorder. Also called: FANCE-related condition.
Fanconi anemia (FA). Also called: Fanconi's anemia. Identifiers: Orphanet 84, MedGen C0015625, MeSH D005199, MONDO:0019391.
Fanconi anemia complementation group E (FANCE). Also called: FANCE-Related Fanconi Anemia. Identifiers: Orphanet 84, MedGen C3160739, MONDO:0010953, OMIM 600901.

Allele frequency attached by ClinVar (database versions not stated): ExAC 0.00002; gnomAD 0.00005 and 0.00006; gnomAD exomes 0.00006 and 0.00007; TOPMed 0.00007; ESP Exome Variant Server 0.00008.
gnomAD v4.1: 100 of 1,614,078 alleles (0.0062%); highest among the groups gnomAD compares: Middle Eastern, 0.016%; no homozygotes.

Submissions (4):

CeGaT Center for Human Genetics Tuebingen
Classification: Likely benign. Last evaluated: 2026-06-01. Review status: criteria provided, single submitter. Criteria: CeGaT Center For Human Genetics Tuebingen Variant Classification Criteria Version 2. Collection method: clinical testing. Allele origin: germline. Affected: yes. Observed: 3 variant alleles.
Comment: FANCE: BP4, BP7

Labcorp Genetics (formerly Invitae), Labcorp
Classification: Likely benign for Fanconi anemia complementation group E. Last evaluated: 2026-01-24. Review status: criteria provided, single submitter. Criteria: Invitae Variant Classification Sherloc (09022015). Collection method: clinical testing. Allele origin: germline.

Sema4
Classification: Likely benign for Fanconi anemia. Last evaluated: 2021-08-27. Review status: criteria provided, single submitter. Criteria: Sema4 Curation Guidelines. Collection method: curation. Allele origin: germline.

PreventionGenetics, part of Exact Sciences
Classification: Likely benign for FANCE-related condition. Last evaluated: 2019-02-28. Review status: no assertion criteria provided. Collection method: clinical testing. Allele origin: germline. Not counted in ClinVar's aggregate classification.
Comment: This variant is classified as likely benign based on ACMG/AMP sequence variant interpretation guidelines (Richards et al. 2015 PMID: 25741868, with internal and published modifications).

NM_021922.3(FANCE):c.1062T>C (p.Asp354=)

Gene: FANCE (FA complementation group E; plus strand). Cytogenetic location: 6p21.31.
Variant type: single nucleotide variant.
Coding change: c.1062T>C on transcript NM_021922.3 (MANE Select); coding-DNA position 1062, T replaced by C.
Protein change: p.Asp354=; no amino-acid change (aspartic acid 354 retained).
Molecular consequence: synonymous variant.
Genome position (GRCh38, 1-based): chr6:35,458,389, T>C. VCF-style: chr6-35458389-T-C. GRCh37 (hg19) VCF-style: chr6-35426166-T-C.
Identifiers: ClinVar variation 1106220 (VCV001106220.34), dbSNP rs377505032, ClinGen allele CA3771588.
Genomic context (GRCh38, chr6:35,458,389, plus strand): 5'-TCAGCTCTCAGACCTCGGTCTCCTGCGGCTCTGCACCTGGCTGCTGGCCCTTTCACCTGA[T>C]CTCAGCCTCAGCAATGCTACTGTGCTGACCAGAAGCCTCTTTCTTGGACGGGTAGGTGTA-3'
Protein context (NP_068741.1, residues 344-364): LCTWLLALSP[Asp354=]LSLSNATVLT